The following is an entry in ClinVar:

ClinVar aggregate classification (germline): Likely benign. Review status: criteria provided, multiple submitters, no conflicts (2 of 4 stars). 3 submissions from 3 submitters: Likely benign (3). Last evaluated 2024-08-01.

Conditions:
Cardiovascular phenotype. Identifiers: MedGen CN230736.
Dilated cardiomyopathy 1G (CMD1G). Identifiers: Orphanet 154, MedGen C1858763, MONDO:0011400, OMIM 604145.
Autosomal recessive limb-girdle muscular dystrophy type 2J (LGMDR10). Also called: Limb-girdle muscular dystrophy, type 2J; MUSCULAR DYSTROPHY, LIMB-GIRDLE, AUTOSOMAL RECESSIVE 10. Identifiers: Orphanet 140922, MedGen C1837342, MONDO:0012127, OMIM 608807.

Allele frequency attached by ClinVar (database versions not stated): TOPMed below 0.00001; gnomAD 0.00001 and 0.00003; 1000 Genomes Project 30x 0.00031; 1000 Genomes Project 0.00040.
gnomAD v4.1: 7 of 1,613,202 alleles (0.00043%); highest among the groups gnomAD compares: African/African-American, 0.0093%; no homozygotes.

Submissions (3):

Labcorp Genetics (formerly Invitae), Labcorp
Classification: Likely benign for Dilated cardiomyopathy 1G; Autosomal recessive limb-girdle muscular dystrophy type 2J. Last evaluated: 2024-08-01. Review status: criteria provided, single submitter. Criteria: Invitae Variant Classification Sherloc (09022015). Collection method: clinical testing. Allele origin: germline.

Ambry Genetics
Classification: Likely benign for Cardiovascular phenotype. Last evaluated: 2022-03-25. Review status: criteria provided, single submitter. Criteria: Ambry Variant Classification Scheme 2023. Collection method: clinical testing. Allele origin: germline.

GeneDx
Classification: Likely benign. Last evaluated: 2017-06-16. Review status: criteria provided, single submitter. Criteria: GeneDx Variant Classification (06012015). Collection method: clinical testing. Allele origin: germline. Affected: yes.
Comment: This variant is considered likely benign or benign based on one or more of the following criteria: it is a conservative change, it occurs at a poorly conserved position in the protein, it is predicted to be benign by multiple in silico algorithms, and/or has population frequency not consistent with disease.

NM_001267550.2(TTN):c.53229G>A (p.Val17743=)

Genes: TTN (titin; minus strand), TTN-AS1 (TTN antisense RNA 1; plus strand), LOC126806425 (BRD4-independent group 4 enhancer GRCh37_chr2:179471933-179473132; plus strand). Cytogenetic location: 2q31.2.
Variant type: single nucleotide variant.
Coding change: c.53229G>A on transcript NM_001267550.2 (MANE Select); coding-DNA position 53229, G replaced by A.
Protein change: p.Val17743=; no amino-acid change (valine 17743 retained).
Molecular consequence: synonymous variant.
Genome position (GRCh38, 1-based): chr2:178,607,459, C>T on the plus strand (G>A on the coding strand, the complement: TTN is on the minus strand). VCF-style: chr2-178607459-C-T. GRCh37 (hg19) VCF-style: chr2-179472186-C-T.
Other names: c.48306G>A, p.Val16102= (NM_001256850.1); c.26034G>A, p.Val8678= (NM_003319.4); c.45525G>A, p.Val15175= (NM_133378.4); c.26409G>A, p.Val8803= (NM_133432.3); c.26610G>A, p.Val8870= (NM_133437.4).
Identifiers: ClinVar variation 518150 (VCV000518150.12), dbSNP rs376469717, ClinGen allele CA1993837.